The following is an entry in ClinVar:

NM_001184.4(ATR):c.2929G>C (p.Glu977Gln)

Gene: ATR (ATR checkpoint kinase; minus strand). Cytogenetic location: 3q23.
Variant type: single nucleotide variant.
Coding change: c.2929G>C on transcript NM_001184.4 (MANE Select); coding-DNA position 2929, G replaced by C.
Protein change: p.Glu977Gln; replaces glutamic acid 977 with glutamine.
Molecular consequence: missense variant.
Genome position (GRCh38, 1-based): chr3:142,550,179, C>G on the plus strand (G>C on the coding strand, the complement: ATR is on the minus strand). VCF-style: chr3-142550179-C-G. GRCh37 (hg19) VCF-style: chr3-142269021-C-G.
Other names: c.2737G>C, p.Glu913Gln (NM_001354579.2); short protein forms E977Q, E913Q.
Identifiers: ClinVar variation 1797777 (VCV001797777.2), dbSNP rs2473366691, ClinGen allele CA354812722.
Genomic context (GRCh38, chr3:142,550,179, plus strand): 5'-TGTTGCAACTTACAGTAAGAAAACGATTAAGATCAGGAAAGTCGAAAACGTTGGCAATTT[C>G]AGACAACGTATTTAAAGCCATTTCTCTCTGGTGAGCCACATCTTGTTTTCGCACGTCAGC-3'
Protein context (NP_001175.2, residues 967-987): QREMALNTLS[Glu977Gln]IANVFDFPDL

ClinVar aggregate classification (germline): Uncertain significance (1 of 4 stars; one submission).

Conditions:
Inborn genetic diseases. Identifiers: MedGen C0950123, MeSH D030342.

Submission:

Ambry Genetics
Classification: Uncertain significance for Inborn genetic diseases. Last evaluated: 2021-07-11. Review status: criteria provided, single submitter. Criteria: Ambry Variant Classification Scheme 2023. Collection method: clinical testing. Allele origin: germline.
Comment: The p.E977Q variant (also known as c.2929G>C), located in coding exon 14 of the ATR gene, results from a G to C substitution at nucleotide position 2929. The glutamic acid at codon 977 is replaced by glutamine, an amino acid with highly similar properties. This amino acid position is conserved. In addition, this alteration is predicted to be tolerated by in silico analysis. Since supporting evidence is limited at this time, the clinical significance of this alteration remains unclear.